The following is an entry in ClinVar:

ClinVar aggregate classification (germline): Likely benign (1 of 4 stars; one submission).

Conditions:
CTBP1-related disorder. Also called: CTBP1-related condition.

gnomAD v4.1: 94 of 1,532,462 alleles (0.0061%); highest among the groups gnomAD compares: Non-Finnish European, 0.0075%; no homozygotes.

Submission:

PreventionGenetics, part of Exact Sciences
Classification: Likely benign for CTBP1-related condition. Last evaluated: 2026-08-13. Review status: criteria provided, single submitter. Criteria: ACMG Guidelines, 2015. Collection method: clinical testing. Allele origin: germline.
Comment: This variant is classified as likely benign based on ACMG/AMP sequence variant interpretation guidelines (Richards et al. 2015 PMID: 25741868, with internal and published modifications).

NM_001012614.2(CTBP1):c.1254C>T (p.Pro418=)

Genes: CTBP1 (C-terminal binding protein 1; minus strand), CTBP1-AS (CTBP1 antisense RNA; plus strand). Cytogenetic location: 4p16.3.
Variant type: single nucleotide variant.
Coding change: c.1254C>T on transcript NM_001012614.2 (MANE Select); coding-DNA position 1254, C replaced by T.
Protein change: p.Pro418=; no amino-acid change (proline 418 retained).
Molecular consequence: synonymous variant. On other transcripts: non-coding transcript variant (1).
Genome position (GRCh38, 1-based): chr4:1,212,276, G>A on the plus strand (C>T on the coding strand, the complement: CTBP1 is on the minus strand). VCF-style: chr4-1212276-G-A. GRCh37 (hg19) VCF-style: chr4-1206064-G-A.
Other names: c.1287C>T, p.Pro429= (NM_001328.3); c.1290C>T, p.Pro430= (NM_001377186.1); c.1257C>T, p.Pro419= (NM_001377187.1, NM_001377188.1, NM_001377189.1 and 1 more transcripts); c.1254C>T, p.Pro418= (NM_001377191.1, NM_001377192.1, NM_001377193.1).
Identifiers: ClinVar variation 4989886 (VCV004989886.1).
Genomic context (GRCh38, chr4:1,212,276, plus strand): 5'-CGAGGCTGGAGAGCTCCTCCCGGGCTACAACTGGTCACTGGCGTGGTCTCTATCCGCCTC[G>A]GGCTTGACGGTTTGGCCAGGAGAAGGGGCGTGGGGCGGGTGGGCCACAGGGGGCAGGCCG-3'
Protein context (NP_001012632.1, residues 408-428): HAPSPGQTVK[Pro418=]EADRDHASDQ